The following is an entry in ClinVar:

ClinVar aggregate classification (germline): Uncertain significance/Uncertain risk allele. Review status: criteria provided, multiple submitters, no conflicts (2 of 4 stars). 8 submissions from 7 submitters: Uncertain significance (7); Uncertain risk allele (1). Last evaluated 2025-10-17.

Conditions:
WFS1-Related Spectrum Disorders.
Wolfram syndrome 1 (WFS1). Identifiers: Orphanet 3463, MedGen C4551693, MONDO:0009101, OMIM 222300.
Autosomal dominant nonsyndromic hearing loss 6 (LFSNHL). Also called: DEAFNESS, AUTOSOMAL DOMINANT 6; Autosomal dominant nonsyndromic deafness 6; DEAFNESS, AUTOSOMAL DOMINANT 14; DEAFNESS, AUTOSOMAL DOMINANT 38. Identifiers: Orphanet 90635, MedGen C1833021, MONDO:0010963, OMIM 600965.

Allele frequency attached by ClinVar (database versions not stated): gnomAD exomes 0.00001.
gnomAD v4.1: 18 of 1,612,872 alleles (0.0011%); highest among the groups gnomAD compares: Non-Finnish European, 0.0015%; no homozygotes.

Submissions (8):

GeneDx
Classification: Uncertain significance. Last evaluated: 2025-10-17. Review status: criteria provided, single submitter. Criteria: GeneDx Variant Classification Process June 2021. Collection method: clinical testing. Allele origin: germline.
Comment: In silico analysis suggests that this missense variant does not alter protein structure/function; Has not been previously published as pathogenic or benign to our knowledge

Labcorp Genetics (formerly Invitae), Labcorp
Classification: Uncertain significance. Last evaluated: 2023-11-13. Review status: criteria provided, single submitter. Criteria: Invitae Variant Classification Sherloc (09022015). Collection method: clinical testing. Allele origin: germline.
Comment: This sequence change replaces lysine, which is basic and polar, with arginine, which is basic and polar, at codon 762 of the WFS1 protein (p.Lys762Arg). This variant is present in population databases (no rsID available, gnomAD 0.003%). This variant has not been reported in the literature in individuals affected with WFS1-related conditions. ClinVar contains an entry for this variant (Variation ID: 229640). Advanced modeling of protein sequence and biophysical properties (such as structural, functional, and spatial information, amino acid conservation, physicochemical variation, residue mobility, and thermodynamic stability) has been performed at Invitae for this missense variant, however the output from this modeling did not meet the statistical confidence thresholds required to predict the impact of this variant on WFS1 protein function. In summary, the available evidence is currently insufficient to determine the role of this variant in disease. Therefore, it has been classified as a Variant of Uncertain Significance.

Blueprint Genetics
Classification: Uncertain significance. Last evaluated: 2021-08-06. Review status: criteria provided, single submitter. Criteria: ACMG Guidelines, 2015. Collection method: clinical testing. Allele origin: germline.

CeGaT Center for Human Genetics Tuebingen
Classification: Uncertain significance. Last evaluated: 2019-07-01. Review status: criteria provided, single submitter. Criteria: CeGaT Center For Human Genetics Tuebingen Variant Classification Criteria Version 2. Collection method: clinical testing. Allele origin: germline. Affected: yes. Observed: 1 variant allele.

Illumina Laboratory Services, Illumina
Classification: Uncertain significance for WFS1-Related Spectrum Disorders. Last evaluated: 2018-01-12. Review status: criteria provided, single submitter. Criteria: ICSL Variant Classification Criteria 13 December 2019. Collection method: clinical testing. Allele origin: germline.

Illumina Laboratory Services, Illumina
Classification: Uncertain significance for Autosomal dominant nonsyndromic hearing loss 6. Last evaluated: 2018-01-12. Review status: criteria provided, single submitter. Criteria: ICSL Variant Classification Criteria 13 December 2019. Collection method: clinical testing. Allele origin: germline.

Laboratory for Molecular Medicine, Mass General Brigham Personalized Medicine
Classification: Uncertain significance. Last evaluated: 2015-10-10. Review status: criteria provided, single submitter. Criteria: LMM Criteria. Collection method: clinical testing. Allele origin: germline. Observed: 3 variant alleles.
Comment: The p.Lys762Arg variant in WFS1 has been identified by our laboratory in 2 Cauca sian siblings with hearing loss; however there was insufficient evidence to supp ort a causative role for the variant in their hearing loss. This variant is abse nt from large population studies. Computational prediction tools and conservatio n analyses do not provide strong support for or against an impact to the protein . In summary, the clinical significance of the p.Lys762Arg variant is uncertain.

Clinical Genomics, Uppaluri K&H Personalized Medicine Clinic
Classification: Uncertain risk allele for Wolfram syndrome 1. Review status: criteria provided, single submitter. Criteria: K & H Uppaluri Personalized Medicine Clinic Variant Classification & Assertion Criteria_Updated V.1. Collection method: research. Allele origin: unknown. Inheritance: Autosomal recessive inheritance.
Comment: Potent mutations in WFS1 gene are associated with Wolfram's syndrome, an autosomal recessive condition, which cause diabetes mellitus, diabetes insipidus, deafness and optic atrophy. However no sufficient evidence is found to ascertain the role of this particular variant rs876658119 in Wolfram's syndrome yet.

Literature cited by the submitters: PubMed 20738327 (cited by Clinical Genomics, Uppaluri K&H Personalized Medicine Clinic); PubMed 33879153 (cited by Clinical Genomics, Uppaluri K&H Personalized Medicine Clinic); PubMed 12955714 (cited by Clinical Genomics, Uppaluri K&H Personalized Medicine Clinic); PubMed 18060660 (cited by Clinical Genomics, Uppaluri K&H Personalized Medicine Clinic); PubMed 20301750 (cited by Clinical Genomics, Uppaluri K&H Personalized Medicine Clinic); PubMed 17603484 (cited by Clinical Genomics, Uppaluri K&H Personalized Medicine Clinic).

NM_006005.3(WFS1):c.2285A>G (p.Lys762Arg)

Gene: WFS1 (wolframin ER transmembrane glycoprotein; plus strand). Cytogenetic location: 4p16.1.
Variant type: single nucleotide variant.
Coding change: c.2285A>G on transcript NM_006005.3 (MANE Select); coding-DNA position 2285, A replaced by G.
Protein change: p.Lys762Arg; replaces lysine 762 with arginine.
Molecular consequence: missense variant.
Genome position (GRCh38, 1-based): chr4:6,302,080, A>G. VCF-style: chr4-6302080-A-G. GRCh37 (hg19) VCF-style: chr4-6303807-A-G.
Other names: c.2285A>G, p.Lys762Arg (NM_001145853.1); short protein forms K762R.
Identifiers: ClinVar variation 229640 (VCV000229640.56), dbSNP rs876658119, ClinGen allele CA10576640.